The following is an entry in ClinVar:

NM_198576.4(AGRN):c.1665C>G (p.Cys555Trp)

Gene: AGRN (agrin; plus strand). Cytogenetic location: 1p36.33.
Variant type: single nucleotide variant.
Coding change: c.1665C>G on transcript NM_198576.4 (MANE Select); coding-DNA position 1665, C replaced by G.
Protein change: p.Cys555Trp; replaces cysteine 555 with tryptophan.
Molecular consequence: missense variant.
Genome position (GRCh38, 1-based): chr1:1,043,599, C>G. VCF-style: chr1-1043599-C-G. GRCh37 (hg19) VCF-style: chr1-978979-C-G.
Other names: c.1665C>G, p.Cys555Trp (NM_001305275.2); c.1350C>G, p.Cys450Trp (NM_001364727.2); short protein forms C450W, C555W.
Identifiers: ClinVar variation 2417059 (VCV002417059.6), dbSNP rs376620402, ClinGen allele CA508289.

ClinVar aggregate classification (germline): Uncertain significance (1 of 4 stars; one submission).

Conditions:
Congenital myasthenic syndrome 8. Also called: Myasthenic syndrome, congenital, 8, with pre- and postsynaptic defects; MYASTHENIC SYNDROME, CONGENITAL, DUE TO AGRIN DEFICIENCY. Identifiers: Orphanet 590, MedGen C3808739, MONDO:0014052, OMIM 615120.

Allele frequency attached by ClinVar (database versions not stated): TOPMed below 0.00001; ExAC 0.00002; gnomAD exomes 0.00006; ESP Exome Variant Server 0.00008.
gnomAD v4.1: 78 of 1,605,012 alleles (0.0049%); highest among the groups gnomAD compares: Non-Finnish European, 0.0066%; no homozygotes.

Submission:

Labcorp Genetics (formerly Invitae), Labcorp
Classification: Uncertain significance for Congenital myasthenic syndrome 8. Last evaluated: 2022-05-21. Review status: criteria provided, single submitter. Criteria: Invitae Variant Classification Sherloc (09022015). Collection method: clinical testing. Allele origin: germline.
Comment: In summary, the available evidence is currently insufficient to determine the role of this variant in disease. Therefore, it has been classified as a Variant of Uncertain Significance. This sequence change replaces cysteine, which is neutral and slightly polar, with tryptophan, which is neutral and slightly polar, at codon 555 of the AGRN protein (p.Cys555Trp). This variant is present in population databases (rs376620402, gnomAD 0.0009%). This variant has not been reported in the literature in individuals affected with AGRN-related conditions. Algorithms developed to predict the effect of missense changes on protein structure and function are either unavailable or do not agree on the potential impact of this missense change (SIFT: "Deleterious"; PolyPhen-2: "Possibly Damaging"; Align-GVGD: "Class C15").